The following is an entry in ClinVar:

NM_001048166.1(STIL):c.2615+27A>G

Gene: STIL (STIL centriolar assembly protein; minus strand). Cytogenetic location: 1p33.
Variant type: single nucleotide variant.
Coding change: c.2615+27A>G on transcript NM_001048166.1 (MANE Select); 27 bases into the intron after coding-DNA position 2615, A replaced by G.
Molecular consequence: intron variant.
Genome position (GRCh38, 1-based): chr1:47,269,608, T>C on the plus strand (A>G on the coding strand, the complement: STIL is on the minus strand). VCF-style: chr1-47269608-T-C. GRCh37 (hg19) VCF-style: chr1-47735280-T-C.
Other names: c.2615+27A>G (NM_003035.2, NM_001282937.1, NM_001282936.1); c.2474+27A>G (NM_001282939.1, NM_001282938.1).
Identifiers: ClinVar variation 160057 (VCV000160057.7), dbSNP rs2742104, ClinGen allele CA173626.

ClinVar aggregate classification (germline): Benign. Review status: criteria provided, multiple submitters, no conflicts (2 of 4 stars). 3 submissions from 3 submitters: Benign (2). 1 of the submissions does not count toward it. Last evaluated 2018-06-16.

Allele frequency attached by ClinVar (database versions not stated): 1000 Genomes Project 30x 0.38382; 1000 Genomes Project 0.39437; TOPMed 0.39634; ESP Exome Variant Server 0.40872; gnomAD 0.43900.
gnomAD v4.1: 801,756 of 1,605,046 alleles (50%); highest among the groups gnomAD compares: South Asian, 54%; 206,791 homozygotes.

Submissions (3):

GeneDx
Classification: Benign. Last evaluated: 2018-06-16. Review status: criteria provided, single submitter. Criteria: GeneDx Variant Classification (06012015). Collection method: clinical testing. Allele origin: germline. Affected: yes.
Comment: This variant is considered likely benign or benign based on one or more of the following criteria: it is a conservative change, it occurs at a poorly conserved position in the protein, it is predicted to be benign by multiple in silico algorithms, and/or has population frequency not consistent with disease.

Breakthrough Genomics
Classification: Benign. Review status: criteria provided, single submitter. Criteria: ACMG Guidelines, 2015. Collection method: not provided. Allele origin: germline. Inheritance: Autosomal recessive inheritance. Affected: yes.

Genetic Services Laboratory, University of Chicago
Classification: Likely benign. Review status: no assertion criteria provided. Collection method: clinical testing. Allele origin: germline. Inheritance: Autosomal recessive inheritance. Not counted in ClinVar's aggregate classification.
Comment: Likely benign based on allele frequency in 1000 Genomes Project or ESP global frequency and its presence in a patient with a rare or unrelated disease phenotype. NOT Sanger confirmed